The following is an entry in ClinVar:

ClinVar aggregate classification (germline): Uncertain significance (1 of 4 stars; one submission).

gnomAD v4.1: 3 of 1,612,480 alleles (0.00019%); highest among the groups gnomAD compares: Non-Finnish European, 0.00025%; no homozygotes.

Submission:

Ambry Genetics
Classification: Uncertain significance. Last evaluated: 2025-04-03. Review status: criteria provided, single submitter. Criteria: Ambry Variant Classification Scheme 2023. Collection method: clinical testing. Allele origin: germline.
Comment: The p.F867L variant (also known as c.2599T>C), located in coding exon 13 of the GEN1 gene, results from a T to C substitution at nucleotide position 2599. The phenylalanine at codon 867 is replaced by leucine, an amino acid with highly similar properties. This amino acid position is conserved. In addition, this alteration is predicted to be tolerated by in silico analysis. Based on the available evidence, the clinical significance of this variant remains unclear.

NM_001130009.3(GEN1):c.2599T>C (p.Phe867Leu)

Gene: GEN1 (GEN1 Holliday junction 5' flap endonuclease; plus strand). Cytogenetic location: 2p24.2.
Variant type: single nucleotide variant.
Coding change: c.2599T>C on transcript NM_001130009.3 (MANE Select); coding-DNA position 2599, T replaced by C.
Protein change: p.Phe867Leu; replaces phenylalanine 867 with leucine.
Molecular consequence: missense variant.
Genome position (GRCh38, 1-based): chr2:17,781,811, T>C. VCF-style: chr2-17781811-T-C. GRCh37 (hg19) VCF-style: chr2-17963078-T-C.
Other names: c.2599T>C, p.Phe867Leu (NM_182625.5); short protein forms F867L.
Identifiers: ClinVar variation 4029194 (VCV004029194.1).